The following is an entry in ClinVar:

NM_024408.4(NOTCH2):c.6352A>G (p.Asn2118Asp)

Gene: NOTCH2 (notch receptor 2; minus strand). Cytogenetic location: 1p12.
Variant type: single nucleotide variant.
Coding change: c.6352A>G on transcript NM_024408.4 (MANE Select); coding-DNA position 6352, A replaced by G.
Protein change: p.Asn2118Asp; replaces asparagine 2118 with aspartic acid.
Molecular consequence: missense variant.
Genome position (GRCh38, 1-based): chr1:119,916,370, T>C on the plus strand (A>G on the coding strand, the complement: NOTCH2 is on the minus strand). VCF-style: chr1-119916370-T-C. GRCh37 (hg19) VCF-style: chr1-120458993-T-C.
Other names: short protein forms N2118D.
Identifiers: ClinVar variation 3901373 (VCV003901373.1).

ClinVar aggregate classification (germline): Uncertain significance (1 of 4 stars; one submission).

Submission:

GeneDx
Classification: Uncertain significance. Last evaluated: 2024-12-04. Review status: criteria provided, single submitter. Criteria: GeneDx Variant Classification Process June 2021. Collection method: clinical testing. Allele origin: germline. Affected: yes.
Comment: Not observed at significant frequency in large population cohorts (gnomAD); In silico analysis indicates that this missense variant does not alter protein structure/function; Has not been previously published as pathogenic or benign to our knowledge